The following is an entry in ClinVar:

NM_012233.3(RAB3GAP1):c.2393_2394del (p.Leu798fs)

Gene: RAB3GAP1 (RAB3 GTPase activating protein catalytic subunit 1; plus strand). Cytogenetic location: 2q21.3.
Variant type: Microsatellite.
Coding change: c.2393_2394del on transcript NM_012233.3 (MANE Select); coding-DNA positions 2393 to 2394, 2 bases deleted (TC; older notation c.2393_2394delTC).
Protein change: p.Leu798fs; shifts the reading frame from leucine 798.
Molecular consequence: frameshift variant.
Genome position (GRCh38, 1-based): chr2:135,162,754-135,162,755, TC deleted; deleting any 2 consecutive bases within chr2:135,162,752-135,162,755 gives the same sequence; the c. name uses the placement nearest the transcript's 3' end. VCF-style (leftmost placement, unchanged base first): chr2-135162751-GTC-G. GRCh37 (hg19) VCF-style: chr2-135920321-GTC-G.
Other names: NM_012233.3:c.2393_2394del; c.2393_2394del, p.Leu798fs (NM_001172435.2); short protein forms L798fs.
Identifiers: ClinVar variation 2412768 (VCV002412768.1), dbSNP rs1558805679, ClinGen allele CA916657218.

ClinVar aggregate classification (germline): Likely pathogenic (1 of 4 stars; one submission).

Conditions:
Warburg micro syndrome 1 (WARBM1). Identifiers: Orphanet 2510, MedGen C1838625, MONDO:0010822, OMIM 600118.

Submission:

Broad Center for Mendelian Genomics, Broad Institute of MIT and Harvard
Classification: Likely pathogenic for Warburg micro syndrome 1. Last evaluated: 2023-01-25. Review status: criteria provided, single submitter. Criteria: ACMG Guidelines, 2015. Collection method: curation. Allele origin: germline. Inheritance: Autosomal recessive inheritance.
Comment: The p.Leu798ArgfsTer7 variant in RAB3GAP1 has not been previously reported in individuals with Warburg Micro syndrome-1 but has been identified in 0.0009% (1/113124) of European (non-Finnish) chromosomes by the Genome Aggregation Database (gnomAD; dbSNP ID: rs1558805679). Although this variant has been seen in the general population in a heterozygous state, its frequency is low enough to be consistent with a recessive carrier frequency. This variant is predicted to cause a frameshift, which alters the protein‚Äôs amino acid sequence beginning at position 798 and leads to a premature termination codon 7 amino acids downstream. This alteration is then predicted to lead to a truncated or absent protein. Loss of function of the RAB3GAP1 gene is an established disease mechanism in autosomal recessive Warburg Micro syndrome-1. In summary, although additional studies are required to fully establish its clinical significance, this variant is likely pathogenic for Warburg Micro syndrome-1. ACMG/AMP Criteria applied: PVS1, PM2_Supporting (Richards 2015).